The following is an entry in ClinVar:

ClinVar aggregate classification (germline): Uncertain significance (1 of 4 stars; one submission).

Conditions:
Cardiovascular phenotype. Identifiers: MedGen CN230736.

gnomAD v4.1: 7 of 1,614,046 alleles (0.00043%); highest among the groups gnomAD compares: Non-Finnish European, 0.00059%; no homozygotes.

Submission:

Ambry Genetics
Classification: Uncertain significance for Cardiovascular phenotype. Last evaluated: 2025-06-22. Review status: criteria provided, single submitter. Criteria: Ambry Variant Classification Scheme 2023. Collection method: clinical testing. Allele origin: germline.
Comment: The p.L159F variant (also known as c.475C>T), located in coding exon 9 of the MFAP5 gene, results from a C to T substitution at nucleotide position 475. The leucine at codon 159 is replaced by phenylalanine, an amino acid with highly similar properties. This amino acid position is conserved. In addition, this alteration is predicted to be tolerated by in silico analysis. Based on the available evidence, the clinical significance of this variant remains unclear.

NM_003480.4(MFAP5):c.475C>T (p.Leu159Phe)

Genes: MFAP5 (microfibril associated protein 5; minus strand), LOC126861443 (BRD4-independent group 4 enhancer GRCh37_chr12:8800473-8801672; plus strand). Cytogenetic location: 12p13.31.
Variant type: single nucleotide variant.
Coding change: c.475C>T on transcript NM_003480.4 (MANE Select); coding-DNA position 475, C replaced by T.
Protein change: p.Leu159Phe; replaces leucine 159 with phenylalanine.
Molecular consequence: missense variant. On other transcripts: non-coding transcript variant (2).
Genome position (GRCh38, 1-based): chr12:8,648,138, G>A on the plus strand (C>T on the coding strand, the complement: MFAP5 is on the minus strand). VCF-style: chr12-8648138-G-A. GRCh37 (hg19) VCF-style: chr12-8800734-G-A.
Other names: c.445C>T, p.Leu149Phe (NM_001297709.2); c.409C>T, p.Leu137Phe (NM_001297710.2); c.400C>T, p.Leu134Phe (NM_001297711.2); c.283C>T, p.Leu95Phe (NM_001297712.2); short protein forms L137F, L159F, L95F, L134F, L149F.
Identifiers: ClinVar variation 4107151 (VCV004107151.1).